The following is an entry in ClinVar:

ClinVar aggregate classification (germline): Benign. Review status: criteria provided, multiple submitters, no conflicts (2 of 4 stars). 23 submissions from 16 submitters: Benign (20). 3 of the submissions do not count toward it. Last evaluated 2026-02-04.

Conditions:
Cardiovascular phenotype. Identifiers: MedGen CN230736.
Dilated cardiomyopathy 1G (CMD1G). Identifiers: Orphanet 154, MedGen C1858763, MONDO:0011400, OMIM 604145.
Autosomal recessive limb-girdle muscular dystrophy type 2J (LGMDR10). Also called: MUSCULAR DYSTROPHY, LIMB-GIRDLE, AUTOSOMAL RECESSIVE 10; Limb-girdle muscular dystrophy, type 2J. Identifiers: Orphanet 140922, MedGen C1837342, MONDO:0012127, OMIM 608807.
Early-onset myopathy with fatal cardiomyopathy (CMYO5). Also called: CONGENITAL MYOPATHY 5 WITH CARDIOMYOPATHY; Salih Myopathy. Identifiers: Orphanet 289377, MedGen C2673677, MONDO:0012714, OMIM 611705. Disease mechanism: loss of function.
Myopathy, myofibrillar, 9, with early respiratory failure (MFM9). Also called: Myopathy, distal, with early respiratory failure, autosomal dominant; Hereditary myopathy with early respiratory failure; MYOPATHY, PROXIMAL, WITH EARLY RESPIRATORY MUSCLE INVOLVEMENT; EDSTROM MYOPATHY. Identifiers: Orphanet 178464, Orphanet 34521, MedGen C1863599, MONDO:0011362, OMIM 603689.
Tibial muscular dystrophy (TMD). Also called: Udd Distal Myopathy – Tibial Muscular Dystrophy; Tibial muscular dystrophy, tardive; UDD MYOPATHY. Identifiers: Orphanet 609, MedGen C1838244, MONDO:0010870, OMIM 600334.

Allele frequency attached by ClinVar (database versions not stated): gnomAD 0.36241 and 0.35601; gnomAD exomes 0.26863 and 0.35496; ESP Exome Variant Server 0.32070; ExAC 0.35396; TOPMed 0.37706; 1000 Genomes Project 30x 0.50765; 1000 Genomes Project 0.51238.
gnomAD v4.1: 449,977 of 1,613,264 alleles (28%); highest among the groups gnomAD compares: East Asian, 70%; 75,643 homozygotes.

Submissions (23):

Labcorp Genetics (formerly Invitae), Labcorp
Classification: Benign for Dilated cardiomyopathy 1G; Autosomal recessive limb-girdle muscular dystrophy type 2J. Last evaluated: 2026-02-04. Review status: criteria provided, single submitter. Criteria: Invitae Variant Classification Sherloc (09022015). Collection method: clinical testing. Allele origin: germline.

Molecular Diagnostic Laboratory for Inherited Cardiovascular Disease, Montreal Heart Institute
Classification: Benign. Last evaluated: 2025-04-09. Review status: criteria provided, single submitter. Criteria: ACMG Guidelines, 2015. Collection method: clinical testing. Allele origin: germline. Affected: no.

Genome-Nilou Lab
Classification: Benign for Autosomal recessive limb-girdle muscular dystrophy type 2J. Last evaluated: 2021-09-10. Review status: criteria provided, single submitter. Criteria: ACMG Guidelines, 2015. Collection method: clinical testing. Allele origin: germline. Affected: no.

Genome-Nilou Lab
Classification: Benign for Myopathy, myofibrillar, 9, with early respiratory failure. Last evaluated: 2021-09-10. Review status: criteria provided, single submitter. Criteria: ACMG Guidelines, 2015. Collection method: clinical testing. Allele origin: germline. Affected: no.

Genome-Nilou Lab
Classification: Benign for Early-onset myopathy with fatal cardiomyopathy. Last evaluated: 2021-09-10. Review status: criteria provided, single submitter. Criteria: ACMG Guidelines, 2015. Collection method: clinical testing. Allele origin: germline. Affected: no.

Genome-Nilou Lab
Classification: Benign for Tibial muscular dystrophy. Last evaluated: 2021-09-10. Review status: criteria provided, single submitter. Criteria: ACMG Guidelines, 2015. Collection method: clinical testing. Allele origin: germline. Affected: no.

Women's Health and Genetics/Laboratory Corporation of America, LabCorp
Classification: Benign. Last evaluated: 2019-08-19. Review status: criteria provided, single submitter. Criteria: LabCorp Variant Classification Summary - May 2015. Collection method: clinical testing. Allele origin: germline.

Athena Diagnostics
Classification: Benign. Last evaluated: 2018-11-02. Review status: criteria provided, single submitter. Criteria: Athena Diagnostics Criteria. Collection method: clinical testing. Allele origin: germline.

Illumina Laboratory Services, Illumina
Classification: Benign for Myopathy, myofibrillar, 9, with early respiratory failure. Last evaluated: 2018-01-12. Review status: criteria provided, single submitter. Criteria: ICSL Variant Classification Criteria 13 December 2019. Collection method: clinical testing. Allele origin: germline.
Comment: This variant was observed in the ICSL laboratory as part of a predisposition screen in an ostensibly healthy population. It had not been previously curated by ICSL or reported in the Human Gene Mutation Database (HGMD: prior to June 1st, 2018), and was therefore a candidate for classification through an automated scoring system. Utilizing variant allele frequency, disease prevalence and penetrance estimates, and inheritance mode, an automated score was calculated to assess if this variant is too frequent to cause the disease. Based on the score and internal cut-off values, a variant classified as benign is not then subjected to further curation. The score for this variant resulted in a classification of benign for this disease.

Illumina Laboratory Services, Illumina
Classification: Benign for Dilated cardiomyopathy 1G. Last evaluated: 2018-01-12. Review status: criteria provided, single submitter. Criteria: ICSL Variant Classification Criteria 13 December 2019. Collection method: clinical testing. Allele origin: germline.
Comment: the same text as in the submission from Illumina Laboratory Services, Illumina above.

Illumina Laboratory Services, Illumina
Classification: Benign for Autosomal recessive limb-girdle muscular dystrophy type 2J. Last evaluated: 2018-01-12. Review status: criteria provided, single submitter. Criteria: ICSL Variant Classification Criteria 13 December 2019. Collection method: clinical testing. Allele origin: germline.
Comment: the same text as in the submission from Illumina Laboratory Services, Illumina above.

Illumina Laboratory Services, Illumina
Classification: Benign for Early-onset myopathy with fatal cardiomyopathy. Last evaluated: 2018-01-12. Review status: criteria provided, single submitter. Criteria: ICSL Variant Classification Criteria 13 December 2019. Collection method: clinical testing. Allele origin: germline.
Comment: the same text as in the submission from Illumina Laboratory Services, Illumina above.

Illumina Laboratory Services, Illumina
Classification: Benign for Tibial muscular dystrophy. Last evaluated: 2018-01-12. Review status: criteria provided, single submitter. Criteria: ICSL Variant Classification Criteria 13 December 2019. Collection method: clinical testing. Allele origin: germline.
Comment: the same text as in the submission from Illumina Laboratory Services, Illumina above.

Mayo Clinic Laboratories, Mayo Clinic
Classification: Benign. Last evaluated: 2017-08-24. Review status: criteria provided, single submitter. Criteria: ACMG Guidelines, 2015. Collection method: clinical testing. Allele origin: germline. Observed: 1,170 variant alleles.

Genetic Services Laboratory, University of Chicago
Classification: Benign for AllHighlyPenetrant. Last evaluated: 2013-08-15. Review status: criteria provided, single submitter. Criteria: ACMG Guidelines, 2007. Collection method: clinical testing. Allele origin: germline.

Ambry Genetics
Classification: Benign for Cardiovascular phenotype. Last evaluated: 2013-01-16. Review status: criteria provided, single submitter. Criteria: Ambry Autosomal Dominant and X-Linked criteria (10/2015). Collection method: clinical testing. Allele origin: germline. Observed: 1 variant allele.

GeneDx
Classification: Benign. Last evaluated: 2012-10-31. Review status: criteria provided, single submitter. Criteria: GeneDx Variant Classification (06012015). Collection method: clinical testing. Allele origin: germline. Affected: yes.
Comment: This variant is considered likely benign or benign based on one or more of the following criteria: it is a conservative change, it occurs at a poorly conserved position in the protein, it is predicted to be benign by multiple in silico algorithms, and/or has population frequency not consistent with disease.

Laboratory for Molecular Medicine, Mass General Brigham Personalized Medicine
Classification: Benign. Last evaluated: 2011-09-27. Review status: criteria provided, single submitter. Criteria: LMM Criteria. Collection method: clinical testing. Allele origin: germline. Observed: 945 variant alleles.

Breakthrough Genomics
Classification: Benign. Review status: criteria provided, single submitter. Criteria: ACMG Guidelines, 2015. Collection method: not provided. Allele origin: germline. Inheritance: Autosomal recessive inheritance. Affected: yes.

PreventionGenetics, part of Exact Sciences
Classification: Benign. Review status: criteria provided, single submitter. Criteria: ACMG Guidelines, 2015. Collection method: clinical testing. Allele origin: germline.

Clinical Genetics DNA and cytogenetics Diagnostics Lab, Erasmus MC, Erasmus Medical Center
Classification: Benign. Review status: no assertion criteria provided. Collection method: clinical testing. Allele origin: germline. Affected: yes. Study: VKGL Data-share Consensus. Not counted in ClinVar's aggregate classification.

Clinical Genetics, Academic Medical Center
Classification: Benign. Review status: no assertion criteria provided. Collection method: clinical testing. Allele origin: germline. Affected: yes. Study: VKGL Data-share Consensus. Not counted in ClinVar's aggregate classification.

Joint Genome Diagnostic Labs from Nijmegen and Maastricht, Radboudumc and MUMC+
Classification: Benign. Review status: no assertion criteria provided. Collection method: clinical testing. Allele origin: germline. Affected: yes. Study: VKGL Data-share Consensus. Not counted in ClinVar's aggregate classification.

NM_001267550.2(TTN):c.62058T>C (p.Tyr20686=)

Genes: TTN-AS1 (TTN antisense RNA 1; plus strand), TTN (titin; minus strand). Cytogenetic location: 2q31.2.
Variant type: single nucleotide variant.
Coding change: c.62058T>C on transcript NM_001267550.2 (MANE Select); coding-DNA position 62058, T replaced by C.
Protein change: p.Tyr20686=; no amino-acid change (tyrosine 20686 retained).
Molecular consequence: synonymous variant.
Genome position (GRCh38, 1-based): chr2:178,589,667, A>G on the plus strand (T>C on the coding strand, the complement: TTN is on the minus strand). VCF-style: chr2-178589667-A-G. GRCh37 (hg19) VCF-style: chr2-179454394-A-G.
Other names: p.Y19045Y:TAT>TAC; p.Tyr18118=; c.57135T>C, p.Tyr19045= (NM_001256850.1); c.34863T>C, p.Tyr11621= (NM_003319.4); c.54354T>C, p.Tyr18118= (NM_133378.4); c.35238T>C, p.Tyr11746= (NM_133432.3); c.35439T>C, p.Tyr11813= (NM_133437.4).
Identifiers: ClinVar variation 47179 (VCV000047179.36), dbSNP rs1560221, ClinGen allele CA283555.